The following is an entry in ClinVar:

ClinVar aggregate classification (germline): Pathogenic (1 of 4 stars; one submission).

Conditions:
Nemaline myopathy 2 (NEM2). Also called: Nemaline myopathy 2, autosomal recessive. Identifiers: MedGen C1850569, MONDO:0009725, OMIM 256030.

Submission:

Myriad Genetics, Inc.
Classification: Pathogenic for Nemaline myopathy 2. Last evaluated: 2025-12-12. Review status: criteria provided, single submitter. Criteria: Myriad Autosomal Dominant, Autosomal Recessive and X-Linked Classification Criteria (2023). Collection method: clinical testing. Allele origin: unknown.
Comment: NM_001271208.1(NEB):c.24556dupG(E8186Gfs*11) is expected to be pathogenic in the context of NEB-related nemaline myopathy. This variant is predicted to lead to an abnormal or absent protein product due to the creation of a premature termination codon in NEB, a gene where loss-of-function variants are known to be pathogenic. Please note: this variant was assessed in the context of healthy population screening.

NM_001164508.2(NEB):c.24451dup (p.Glu8151fs)

Genes: NEB (nebulin; minus strand), RIF1 (replication timing regulatory factor 1; plus strand). Cytogenetic location: 2q23.3.
Variant type: Duplication.
Coding change: c.24451dup on transcript NM_001164508.2 (MANE Select); coding-DNA position 24451, one base duplicated (G; older notation c.24451dupG).
Protein change: p.Glu8151fs; shifts the reading frame from glutamic acid 8151.
Molecular consequence: frameshift variant.
Genome position (GRCh38, 1-based): chr2:151,496,311, C duplicated on the plus strand (G on the coding strand, the reverse complement: NEB is on the minus strand); the first of 2 consecutive C bases (chr2:151,496,311-151,496,312); duplicating either gives the same sequence. VCF-style (leftmost placement, unchanged base first): chr2-151496310-T-TC. GRCh37 (hg19) VCF-style: chr2-152352824-T-TC.
Other names: c.24451dup, p.Glu8151fs (NM_001164507.2); c.24556dup, p.Glu8186fs (NM_001271208.2); c.18883dup, p.Glu6295fs (NM_004543.5); short protein forms E6295fs, E8151fs, E8186fs.
Identifiers: ClinVar variation 5015312 (VCV005015312.1).